The following is an entry in ClinVar:

ClinVar aggregate classification (germline): Uncertain significance. Review status: criteria provided, multiple submitters, no conflicts (2 of 4 stars). 2 submissions from 2 submitters: Uncertain significance (2). Last evaluated 2023-11-14.

Conditions:
Hereditary cancer-predisposing syndrome. Also called: Neoplastic Syndromes, Hereditary; Hereditary Cancer Syndrome; Tumor predisposition; Hereditary neoplastic syndrome. Identifiers: Orphanet 140162, MedGen C0027672, MeSH D009386, MONDO:0015356.
DICER1-related tumor predisposition. Also called: DICER1 syndrome; DICER1-related pleuropulmonary blastoma cancer predisposition syndrome. Identifiers: Orphanet 284343, MedGen C3839822, MONDO:0100216.

Submissions (2):

Ambry Genetics
Classification: Uncertain significance for Hereditary cancer-predisposing syndrome. Last evaluated: 2023-11-14. Review status: criteria provided, single submitter. Criteria: Ambry Variant Classification Scheme 2023. Collection method: clinical testing. Allele origin: germline.
Comment: The p.M1428I variant (also known as c.4284G>A), located in coding exon 22 of the DICER1 gene, results from a G to A substitution at nucleotide position 4284. The methionine at codon 1428 is replaced by isoleucine, an amino acid with highly similar properties. This amino acid position is not well conserved in available vertebrate species. In addition, this alteration is predicted to be tolerated by in silico analysis. Since supporting evidence is limited at this time, the clinical significance of this alteration remains unclear.

Labcorp Genetics (formerly Invitae), Labcorp
Classification: Uncertain significance for DICER1-related tumor predisposition. Last evaluated: 2021-03-24. Review status: criteria provided, single submitter. Criteria: Invitae Variant Classification Sherloc (09022015). Collection method: clinical testing. Allele origin: germline.
Comment: In summary, the available evidence is currently insufficient to determine the role of this variant in disease. Therefore, it has been classified as a Variant of Uncertain Significance. Algorithms developed to predict the effect of missense changes on protein structure and function (SIFT, PolyPhen-2, Align-GVGD) all suggest that this variant is likely to be tolerated, but these predictions have not been confirmed by published functional studies and their clinical significance is uncertain. This variant has not been reported in the literature in individuals with DICER1-related conditions. This variant is not present in population databases (ExAC no frequency). This sequence change replaces methionine with isoleucine at codon 1428 of the DICER1 protein (p.Met1428Ile). The methionine residue is weakly conserved and there is a small physicochemical difference between methionine and isoleucine.

NM_177438.3(DICER1):c.4284G>A (p.Met1428Ile)

Gene: DICER1 (dicer 1, ribonuclease III; minus strand). Cytogenetic location: 14q32.13.
Variant type: single nucleotide variant.
Coding change: c.4284G>A on transcript NM_177438.3 (MANE Select); coding-DNA position 4284, G replaced by A.
Protein change: p.Met1428Ile; replaces methionine 1428 with isoleucine.
Molecular consequence: missense variant.
Genome position (GRCh38, 1-based): chr14:95,096,636, C>T on the plus strand (G>A on the coding strand, the complement: DICER1 is on the minus strand). VCF-style: chr14-95096636-C-T. GRCh37 (hg19) VCF-style: chr14-95562973-C-T.
Other names: c.4284G>A, p.Met1428Ile (NM_001195573.1, NM_001271282.3, NM_001291628.2 and 1 more transcripts); short protein forms M1428I.
Identifiers: ClinVar variation 1513143 (VCV001513143.11), dbSNP rs2139853676, ClinGen allele CA390869537.